The following is an entry in ClinVar:

NM_007294.4(BRCA1):c.4007G>T (p.Ser1336Ile)

Genes: BRCA1 (BRCA1 DNA repair associated; minus strand), LOC126862571 (BRD4-independent group 4 enhancer GRCh37_chr17:41243136-41244335; plus strand). Cytogenetic location: 17q21.31.
Variant type: single nucleotide variant.
Coding change: c.4007G>T on transcript NM_007294.4 (MANE Select); coding-DNA position 4007, G replaced by T.
Protein change: p.Ser1336Ile; replaces serine 1336 with isoleucine.
Molecular consequence: missense variant. On other transcripts: intron variant (135).
Genome position (GRCh38, 1-based): chr17:43,091,524, C>A on the plus strand (G>T on the coding strand, the complement: BRCA1 is on the minus strand). VCF-style: chr17-43091524-C-A. GRCh37 (hg19) VCF-style: chr17-41243541-C-A.
Other names: c.548-492G>T (NM_001408494.1); c.665-492G>T (NM_001408444.1, NM_001408438.1, NM_001408430.1 and 12 more transcripts); c.671-492G>T (NM_001408423.1, NM_001408420.1, NM_001408419.1 and 2 more transcripts); c.788-492G>T (NM_001408404.1, NM_001408472.1, NM_001407990.1 and 17 more transcripts); c.578-492G>T (NM_001408492.1, NM_001408513.1, NM_001408479.1 and 9 more transcripts); c.644-492G>T (NM_001408468.1, NM_001408470.1, NM_001408464.1 and 3 more transcripts); c.524-492G>T (NM_001408501.1, NM_001408500.1, NM_001408497.1 and 3 more transcripts); c.647-492G>T (NM_001408455.1, NM_001408466.1, NM_001408452.1 and 11 more transcripts); and 41 more; short protein forms S1289I, S1336I, S1168I, S1269I, S1288I, S1310I, S468I, S1209I.
Identifiers: ClinVar variation 1330088 (VCV001330088.12), dbSNP rs2053486331, ClinGen allele CA10593947.
Genomic context (GRCh38, chr17:43,091,524, plus strand): 5'-TGATTATTTTCTTCCAAGCCCGTTCCTCTTTCTTCATCATCTGAAACCAATTCCTTGTCA[C>A]TCAGACCAACTCCCTGGCTTTCAGACTGATGCCTCATTTGTTTGGAAGAACCAATCAAGA-3'
Protein context (NP_009225.1, residues 1326-1346): HQSESQGVGL[Ser1336Ile]DKELVSDDEE

ClinVar aggregate classification (germline): Conflicting classifications of pathogenicity. Review status: criteria provided, conflicting classifications (1 of 4 stars). 4 submissions from 4 submitters: Uncertain significance (3); Likely benign (1). Last evaluated 2025-09-16.

Conditions:
Hereditary cancer-predisposing syndrome. Also called: Hereditary Cancer Syndrome; Tumor predisposition; Neoplastic Syndromes, Hereditary; Hereditary neoplastic syndrome. Identifiers: Orphanet 140162, MedGen C0027672, MeSH D009386, MONDO:0015356.
Hereditary breast ovarian cancer syndrome. Also called: Hereditary breast and ovarian cancer syndrome; Hereditary breast and ovarian cancer; Hereditary breast and ovarian cancer syndrome (HBOC); BRCA1- and BRCA2-Associated Hereditary Breast and Ovarian Cancer; Hereditary breast and/or ovarian cancer syndrome; Breast and ovarian cancer. Identifiers: Orphanet 145, MedGen C0677776, MeSH D061325, MONDO:0003582. Disease mechanism: loss of function.

Submissions (4):

Labcorp Genetics (formerly Invitae), Labcorp
Classification: Uncertain significance for Hereditary breast ovarian cancer syndrome. Last evaluated: 2025-09-16. Review status: criteria provided, single submitter. Criteria: Invitae Variant Classification Sherloc (09022015). Collection method: clinical testing. Allele origin: germline.
Comment: This sequence change replaces serine, which is neutral and polar, with isoleucine, which is neutral and non-polar, at codon 1336 of the BRCA1 protein (p.Ser1336Ile). This variant is not present in population databases (gnomAD no frequency). This variant has not been reported in the literature in individuals affected with BRCA1-related conditions. ClinVar contains an entry for this variant (Variation ID: 1330088). Invitae Evidence Modeling of protein sequence and biophysical properties (such as structural, functional, and spatial information, amino acid conservation, physicochemical variation, residue mobility, and thermodynamic stability) indicates that this missense variant is expected to disrupt BRCA1 protein function with a positive predictive value of 80%. In summary, the available evidence is currently insufficient to determine the role of this variant in disease. Therefore, it has been classified as a Variant of Uncertain Significance.

University of Washington Department of Laboratory Medicine, University of Washington
Classification: Likely benign for Hereditary cancer-predisposing syndrome. Last evaluated: 2023-03-23. Review status: criteria provided, single submitter. Criteria: Dines et al. (Genet Med. 2020). Collection method: curation. Allele origin: germline.
Comment: Missense variant in a coldspot region where missense variants are very unlikely to be pathogenic (PMID:31911673).

BRCA1 coldspot (exon 11 using historical exon numbering). Reclassification based on statistical prior probability

Quest Diagnostics Nichols Institute San Juan Capistrano
Classification: Uncertain significance. Last evaluated: 2022-11-17. Review status: criteria provided, single submitter. Criteria: Quest Diagnostics criteria. Collection method: clinical testing. Allele origin: unknown.
Comment: The variant has not been reported in the published literature. It also has not been reported in large, multi-ethnic general populations. Analysis of this variant using bioinformatics tools for the prediction of the effect of amino acid changes on protein structure and function yielded predictions that this variant is benign. Based on the available information, we are unable to determine the clinical significance of this variant.

Ambry Genetics
Classification: Uncertain significance for Hereditary cancer-predisposing syndrome. Last evaluated: 2021-11-01. Review status: criteria provided, single submitter. Criteria: Ambry Variant Classification Scheme 2023. Collection method: clinical testing. Allele origin: germline.
Comment: The p.S1336I variant (also known as c.4007G>T), located in coding exon 9 of the BRCA1 gene, results from a G to T substitution at nucleotide position 4007. The serine at codon 1336 is replaced by isoleucine, an amino acid with dissimilar properties. This amino acid position is well conserved in available vertebrate species. In addition, the in silico prediction for this alteration is inconclusive. Since supporting evidence is limited at this time, the clinical significance of this alteration remains unclear.